The following is an entry in ClinVar:

ClinVar aggregate classification (germline): Uncertain significance (1 of 4 stars; one submission).

Allele frequency attached by ClinVar (database versions not stated): gnomAD exomes below 0.00001.
gnomAD v4.1: 1 of 1,613,804 alleles (0.000062%); highest among the groups gnomAD compares: Non-Finnish European, 0.000085%; no homozygotes.

Submission:

Labcorp Genetics (formerly Invitae), Labcorp
Classification: Uncertain significance. Last evaluated: 2022-12-14. Review status: criteria provided, single submitter. Criteria: Invitae Variant Classification Sherloc (09022015). Collection method: clinical testing. Allele origin: germline.
Comment: In summary, the available evidence is currently insufficient to determine the role of this variant in disease. Therefore, it has been classified as a Variant of Uncertain Significance. Algorithms developed to predict the effect of sequence changes on RNA splicing suggest that this variant may create or strengthen a splice site. This variant has not been reported in the literature in individuals affected with ARHGEF1-related conditions. This variant is not present in population databases (gnomAD no frequency). This sequence change falls in intron 23 of the ARHGEF1 gene. It does not directly change the encoded amino acid sequence of the ARHGEF1 protein.

NM_004706.4(ARHGEF1):c.2249+13C>G

Gene: ARHGEF1 (Rho guanine nucleotide exchange factor 1; plus strand). Cytogenetic location: 19q13.2.
Variant type: single nucleotide variant.
Coding change: c.2249+13C>G on transcript NM_004706.4 (MANE Select); 13 bases into the intron after coding-DNA position 2249, C replaced by G.
Molecular consequence: intron variant.
Genome position (GRCh38, 1-based): chr19:41,905,049, C>G. VCF-style: chr19-41905049-C-G. GRCh37 (hg19) VCF-style: chr19-42409201-C-G.
Other names: c.2249+13C>G (NM_001396003.1, NM_001396006.1); c.2150+13C>G (NM_001396002.1, NM_198977.2, NM_001396004.1); c.2417+13C>G (NM_001396000.1); c.2294+13C>G (NM_199002.2).
Identifiers: ClinVar variation 2978130 (VCV002978130.3), dbSNP rs2513914552, ClinGen allele CA2585360861.